The following is an entry in ClinVar:

ClinVar aggregate classification (germline): Uncertain significance (1 of 4 stars; one submission).

Allele frequency attached by ClinVar (database versions not stated): gnomAD exomes below 0.00001 and 0.00001; gnomAD 0.00001; TOPMed 0.00001; ExAC 0.00002.
gnomAD v4.1: 6 of 1,614,072 alleles (0.00037%); highest among the groups gnomAD compares: African/African-American, 0.0067%; no homozygotes.

Submission:

Labcorp Genetics (formerly Invitae), Labcorp
Classification: Uncertain significance. Last evaluated: 2022-09-13. Review status: criteria provided, single submitter. Criteria: Invitae Variant Classification Sherloc (09022015). Collection method: clinical testing. Allele origin: germline.
Comment: This variant has not been reported in the literature in individuals affected with FAM161A-related conditions. In summary, the available evidence is currently insufficient to determine the role of this variant in disease. Therefore, it has been classified as a Variant of Uncertain Significance. Advanced modeling of protein sequence and biophysical properties (such as structural, functional, and spatial information, amino acid conservation, physicochemical variation, residue mobility, and thermodynamic stability) performed at Invitae indicates that this missense variant is not expected to disrupt FAM161A protein function. ClinVar contains an entry for this variant (Variation ID: 1409358). This variant is present in population databases (rs754105321, gnomAD 0.007%). This sequence change replaces proline, which is neutral and non-polar, with leucine, which is neutral and non-polar, at codon 448 of the FAM161A protein (p.Pro448Leu).

NM_001201543.2(FAM161A):c.1343C>T (p.Pro448Leu)

Gene: FAM161A (FAM161 centrosomal protein A; minus strand). Cytogenetic location: 2p15.
Variant type: single nucleotide variant.
Coding change: c.1343C>T on transcript NM_001201543.2 (MANE Select); coding-DNA position 1343, C replaced by T.
Protein change: p.Pro448Leu; replaces proline 448 with leucine.
Molecular consequence: missense variant. On other transcripts: non-coding transcript variant (1).
Genome position (GRCh38, 1-based): chr2:61,839,661, G>A on the plus strand (C>T on the coding strand, the complement: FAM161A is on the minus strand). VCF-style: chr2-61839661-G-A. GRCh37 (hg19) VCF-style: chr2-62066796-G-A.
Other names: c.1343C>T, p.Pro448Leu (NM_032180.3); short protein forms P448L.
Identifiers: ClinVar variation 1409358 (VCV001409358.6), dbSNP rs754105321, ClinGen allele CA1679172.
Genomic context (GRCh38, chr2:61,839,661, plus strand): 5'-TTAATAGATGCATGTGGAGATGCATGAAGATCAAATGGTTTACACACTGTTAAGAGTTTT[G>A]GAGACTTGTGTTCTGAGAGGTGTTTCTGGTATCTCTCAGGAAGGTCCTCAAAATCAGGAG-3'
Protein context (NP_001188472.1, residues 438-458): YQKHLSEHKS[Pro448Leu]KLLTVCKPFD